The following is an entry in ClinVar:

ClinVar aggregate classification (germline): Uncertain significance (1 of 4 stars; one submission).

gnomAD v4.1: 4 of 1,597,942 alleles (0.00025%); highest among the groups gnomAD compares: East Asian, 0.0022%; no homozygotes.

Submission:

Labcorp Genetics (formerly Invitae), Labcorp
Classification: Uncertain significance. Last evaluated: 2025-08-06. Review status: criteria provided, single submitter. Criteria: Invitae Variant Classification Sherloc (09022015). Collection method: clinical testing. Allele origin: germline.
Comment: This sequence change falls in intron 2 of the DNAJB11 gene. It does not directly change the encoded amino acid sequence of the DNAJB11 protein. It affects a nucleotide within the consensus splice site. This variant is present in population databases (rs762214220, gnomAD 0.006%). This variant has not been reported in the literature in individuals affected with DNAJB11-related conditions. Variants that disrupt the consensus splice site are a relatively common cause of aberrant splicing (PMID: 17576681, 9536098). Algorithms developed to predict the effect of sequence changes on RNA splicing suggest that this variant is not likely to affect RNA splicing. In summary, the available evidence is currently insufficient to determine the role of this variant in disease. Therefore, it has been classified as a Variant of Uncertain Significance.

Literature cited by the submitters: PubMed 17576681; PubMed 9536098.

NM_016306.6(DNAJB11):c.225+5G>C

Gene: DNAJB11 (DnaJ heat shock protein family (Hsp40) member B11; plus strand). Cytogenetic location: 3q27.3.
Variant type: single nucleotide variant.
Coding change: c.225+5G>C on transcript NM_016306.6 (MANE Select); 5 bases into the intron after coding-DNA position 225, G replaced by C.
Molecular consequence: intron variant.
Genome position (GRCh38, 1-based): chr3:186,572,256, G>C. VCF-style: chr3-186572256-G-C. GRCh37 (hg19) VCF-style: chr3-186290045-G-C.
Other names: c.225+5G>C (NM_001378451.1).
Identifiers: ClinVar variation 4768127 (VCV004768127.1).